The following is an entry in ClinVar:

ClinVar aggregate classification (germline): Conflicting classifications of pathogenicity. Review status: criteria provided, conflicting classifications (1 of 4 stars). 5 submissions from 4 submitters: Uncertain significance (3); Likely benign (1). 1 of the submissions does not count toward it. Last evaluated 2026-06-12.

Conditions:
Familial thoracic aortic aneurysm and aortic dissection (TAAD). Also called: Thoracic aortic aneurysms and dissections. Identifiers: Orphanet 91387, MedGen C4707243, MONDO:0019625.
Ehlers-Danlos syndrome, classic type, 1 (EDSCL1). Also called: EHLERS-DANLOS SYNDROME, GRAVIS TYPE; EHLERS-DANLOS SYNDROME, SEVERE CLASSIC TYPE; EDS I; Ehlers-Danlos Syndrome, Classic Type, COL5A1-Related; Ehlers-Danlos syndrome, type 1. Identifiers: MedGen C0268335, MONDO:0019567, OMIM 130000.
Ehlers-Danlos syndrome, classic type, 2 (EDSCL2). Also called: Ehlers-Danlos syndrome type 2 (formerly); Ehlers-Danlos Syndrome, Classic Type, COL5A2-Related; Ehlers-Danlos syndrome, type 2. Identifiers: Orphanet 287, Orphanet 90318, MedGen C0268336, MONDO:0019568, OMIM 130010.
Abnormal bleeding. Also called: Bleeding diathesis. Identifiers: MedGen C1458140, HP:0001892.
Thrombocytopenia. Identifiers: MedGen C0040034, MeSH D013921, MONDO:0002049, HP:0001873.
Ehlers-Danlos syndrome, classic type (cEDS). Identifiers: Orphanet 287, MedGen C4225429, MONDO:0007522.

Allele frequency attached by ClinVar (database versions not stated): TOPMed below 0.00001; ExAC 0.00001; gnomAD exomes 0.00001.
gnomAD v4.1: 12 of 1,608,986 alleles (0.00075%); highest among the groups gnomAD compares: South Asian, 0.0033%; no homozygotes.

Submissions (5):

Ambry Genetics
Classification: Likely benign for Familial thoracic aortic aneurysm and aortic dissection. Last evaluated: 2026-06-12. Review status: criteria provided, single submitter. Criteria: Ambry Variant Classification Scheme 2023. Collection method: clinical testing. Allele origin: germline.

Labcorp Genetics (formerly Invitae), Labcorp
Classification: Uncertain significance for Ehlers-Danlos syndrome, classic type, 1. Last evaluated: 2023-11-19. Review status: criteria provided, single submitter. Criteria: Invitae Variant Classification Sherloc (09022015). Collection method: clinical testing. Allele origin: germline.
Comment: This sequence change replaces alanine, which is neutral and non-polar, with valine, which is neutral and non-polar, at codon 929 of the COL5A2 protein (p.Ala929Val). This variant is present in population databases (rs747843876, gnomAD 0.007%). This variant has not been reported in the literature in individuals affected with COL5A2-related conditions. ClinVar contains an entry for this variant (Variation ID: 988851). Advanced modeling of protein sequence and biophysical properties (such as structural, functional, and spatial information, amino acid conservation, physicochemical variation, residue mobility, and thermodynamic stability) performed at Invitae indicates that this missense variant is not expected to disrupt COL5A2 protein function with a negative predictive value of 80%. In summary, the available evidence is currently insufficient to determine the role of this variant in disease. Therefore, it has been classified as a Variant of Uncertain Significance.

Center for Genomics, Ann and Robert H. Lurie Children's Hospital of Chicago
Classification: Uncertain significance for Ehlers-Danlos syndrome, classic type, 2. Last evaluated: 2021-03-30. Review status: criteria provided, single submitter. Criteria: ACMG Guidelines, 2015. Collection method: clinical testing. Allele origin: germline.
Comment: COL5A2 NM_000393.4 exon 42 p.Ala929Val (c.2786C>T): This variant has not been reported in the literature but is present in 0.006% (2/30022) of South Asian alleles in the Genome Aggregation Database. Evolutionary conservation and computational predictive tools suggest that this variant may impact the protein. In summary, data on this variant is insufficient for disease classification. Therefore, the clinical significance of this variant is uncertain.

Center for Genomics, Ann and Robert H. Lurie Children's Hospital of Chicago
Classification: Uncertain significance for Ehlers-Danlos syndrome, classic type, 1. Last evaluated: 2020-08-03. Review status: criteria provided, single submitter. Criteria: ACMG Guidelines, 2015. Collection method: clinical testing. Allele origin: germline.
Comment: the same text as in the submission from Center for Genomics, Ann and Robert H. Lurie Children's Hospital of Chicago above.

Birmingham Platelet Group; University of Birmingham
Classification: Uncertain significance for Thrombocytopenia; Abnormal bleeding. Last evaluated: 2020-05-01. Review status: no assertion criteria provided. Collection method: research. Allele origin: germline. Affected: yes. Not counted in ClinVar's aggregate classification.

NM_000393.5(COL5A2):c.2786C>T (p.Ala929Val)

Gene: COL5A2 (collagen type V alpha 2 chain; minus strand). Cytogenetic location: 2q32.2.
Variant type: single nucleotide variant.
Coding change: c.2786C>T on transcript NM_000393.5 (MANE Select); coding-DNA position 2786, C replaced by T.
Protein change: p.Ala929Val; replaces alanine 929 with valine.
Molecular consequence: missense variant.
Genome position (GRCh38, 1-based): chr2:189,051,465, G>A on the plus strand (C>T on the coding strand, the complement: COL5A2 is on the minus strand). VCF-style: chr2-189051465-G-A. GRCh37 (hg19) VCF-style: chr2-189916191-G-A.
Other names: short protein forms A929V.
Identifiers: ClinVar variation 988851 (VCV000988851.9), dbSNP rs747843876, ClinGen allele CA2022180.